The following is an entry in ClinVar:

NM_007055.4(POLR3A):c.1024G>A (p.Val342Ile)

Gene: POLR3A (RNA polymerase III subunit A; minus strand). Cytogenetic location: 10q22.3.
Variant type: single nucleotide variant.
Coding change: c.1024G>A on transcript NM_007055.4 (MANE Select); coding-DNA position 1024, G replaced by A.
Protein change: p.Val342Ile; replaces valine 342 with isoleucine.
Molecular consequence: missense variant.
Genome position (GRCh38, 1-based): chr10:78,021,884, C>T on the plus strand (G>A on the coding strand, the complement: POLR3A is on the minus strand). VCF-style: chr10-78021884-C-T. GRCh37 (hg19) VCF-style: chr10-79781642-C-T.
Other names: short protein forms V342I.
Identifiers: ClinVar variation 1420745 (VCV001420745.6), dbSNP rs141899032, ClinGen allele CA5571571.
Genomic context (GRCh38, chr10:78,021,884, plus strand): 5'-GTGGGCTGGCTTCTGCACATCTTGTGGGAAACCTACCCTGTTTTCCCTTCAGGCGTTGGA[C>T]GAAGCCTCTGGTCCACTTCTTGGGTGCCATGTTGAGGGGAATGCCCGAGAGCTCACTGTT-3'
Protein context (NP_008986.2, residues 332-352): MAPKKWTRGF[Val342Ile]QRLKGKQGRF

ClinVar aggregate classification (germline): Uncertain significance. Review status: criteria provided, multiple submitters, no conflicts (2 of 4 stars). 2 submissions from 2 submitters: Uncertain significance (2). Last evaluated 2024-10-23.

Allele frequency attached by ClinVar (database versions not stated): gnomAD 0.00003 and 0.00005; ExAC 0.00004; gnomAD exomes 0.00004 and 0.00009; ESP Exome Variant Server 0.00015; 1000 Genomes Project 30x 0.00031.
gnomAD v4.1: 141 of 1,613,966 alleles (0.0087%); highest among the groups gnomAD compares: Non-Finnish European, 0.011%; no homozygotes.

Submissions (2):

Blueprint Genetics
Classification: Uncertain significance. Last evaluated: 2024-10-23. Review status: criteria provided, single submitter. Criteria: ACMG Guidelines, 2015. Collection method: clinical testing. Allele origin: germline.

Labcorp Genetics (formerly Invitae), Labcorp
Classification: Uncertain significance. Last evaluated: 2022-08-09. Review status: criteria provided, single submitter. Criteria: Invitae Variant Classification Sherloc (09022015). Collection method: clinical testing. Allele origin: germline.
Comment: This sequence change replaces valine, which is neutral and non-polar, with isoleucine, which is neutral and non-polar, at codon 342 of the POLR3A protein (p.Val342Ile). This variant is present in population databases (rs141899032, gnomAD 0.006%). This variant has not been reported in the literature in individuals affected with POLR3A-related conditions. ClinVar contains an entry for this variant (Variation ID: 1420745). Algorithms developed to predict the effect of missense changes on protein structure and function (SIFT, PolyPhen-2, Align-GVGD) all suggest that this variant is likely to be tolerated. In summary, the available evidence is currently insufficient to determine the role of this variant in disease. Therefore, it has been classified as a Variant of Uncertain Significance.